The following is an entry in ClinVar:

ClinVar aggregate classification (germline): Uncertain significance (1 of 4 stars; one submission).

Conditions:
Generalized epilepsy with febrile seizures plus, type 7 (GEFSP7). Also called: GEFS+, TYPE 7. Identifiers: Orphanet 36387, MedGen C2751778, MONDO:0013470, OMIM 613863.
Neuropathy, hereditary sensory and autonomic, type 2A (HSAN2A). Also called: HSAN IIA; ACROOSTEOLYSIS, GIACCAI TYPE; ACROOSTEOLYSIS, NEUROGENIC; MORVAN DISEASE; NEUROPATHY, CONGENITAL SENSORY; NEUROPATHY, HEREDITARY SENSORY RADICULAR, AUTOSOMAL RECESSIVE. Identifiers: Orphanet 970, MedGen C2752089, MONDO:0024309, OMIM 201300.

Submission:

Labcorp Genetics (formerly Invitae), Labcorp
Classification: Uncertain significance for Neuropathy, hereditary sensory and autonomic, type 2A; Generalized epilepsy with febrile seizures plus, type 7. Last evaluated: 2022-06-23. Review status: criteria provided, single submitter. Criteria: Invitae Variant Classification Sherloc (09022015). Collection method: clinical testing. Allele origin: germline.
Comment: This sequence change replaces glycine, which is neutral and non-polar, with aspartic acid, which is acidic and polar, at codon 1196 of the SCN9A protein (p.Gly1196Asp). This variant is not present in population databases (gnomAD no frequency). This variant has not been reported in the literature in individuals affected with SCN9A-related conditions. Algorithms developed to predict the effect of missense changes on protein structure and function are either unavailable or do not agree on the potential impact of this missense change (SIFT: "Tolerated"; PolyPhen-2: "Probably Damaging"; Align-GVGD: "Class C0"). In summary, the available evidence is currently insufficient to determine the role of this variant in disease. Therefore, it has been classified as a Variant of Uncertain Significance.

NM_001365536.1(SCN9A):c.3620G>A (p.Gly1207Asp)

Genes: SCN1A-AS1 (SCN1A and SCN9A antisense RNA 1; plus strand), SCN9A (sodium voltage-gated channel alpha subunit 9; minus strand). Cytogenetic location: 2q24.3.
Variant type: single nucleotide variant.
Coding change: c.3620G>A on transcript NM_001365536.1 (MANE Select); coding-DNA position 3620, G replaced by A.
Protein change: p.Gly1207Asp; replaces glycine 1207 with aspartic acid.
Molecular consequence: missense variant.
Genome position (GRCh38, 1-based): chr2:166,242,509, C>T on the plus strand (G>A on the coding strand, the complement: SCN9A is on the minus strand). VCF-style: chr2-166242509-C-T. GRCh37 (hg19) VCF-style: chr2-167099019-C-T.
Other names: c.3587G>A, p.Gly1196Asp (NM_002977.4); short protein forms G1196D, G1207D.
Identifiers: ClinVar variation 2009882 (VCV002009882.4), dbSNP rs2467867931, ClinGen allele CA349070027.